The following is an entry in ClinVar:

NM_001365536.1(SCN9A):c.4812G>T (p.Val1604=)

Genes: SCN1A-AS1 (SCN1A and SCN9A antisense RNA 1; plus strand), SCN9A (sodium voltage-gated channel alpha subunit 9; minus strand). Cytogenetic location: 2q24.3.
Variant type: single nucleotide variant.
Coding change: c.4812G>T on transcript NM_001365536.1 (MANE Select); coding-DNA position 4812, G replaced by T.
Protein change: p.Val1604=; no amino-acid change (valine 1604 retained).
Molecular consequence: synonymous variant.
Genome position (GRCh38, 1-based): chr2:166,199,827, C>A on the plus strand (G>T on the coding strand, the complement: SCN9A is on the minus strand). VCF-style: chr2-166199827-C-A. GRCh37 (hg19) VCF-style: chr2-167056337-C-A.
Other names: p.Val1593=; c.4779G>T, p.Val1593= (NM_002977.4).
Identifiers: ClinVar variation 130270 (VCV000130270.25), dbSNP rs149207258, ClinGen allele CA155136.

ClinVar aggregate classification (germline): Benign/Likely benign. Review status: criteria provided, multiple submitters, no conflicts (2 of 4 stars). 14 submissions from 10 submitters: Benign (12); Likely benign (1). 1 of the submissions does not count toward it. Last evaluated 2026-02-04.

Conditions:
Paroxysmal extreme pain disorder (PEXPD). Also called: SCN9A Paroxysmal Extreme Pain Disorder (SCN9A-PEPD); PAIN, SUBMANDIBULAR, OCULAR, AND RECTAL, WITH FLUSHING; RECTAL PAIN, FAMILIAL. Identifiers: Orphanet 46348, MedGen C1833661, MONDO:0008179, OMIM 167400.
Channelopathy-associated congenital insensitivity to pain, autosomal recessive. Also called: Insensitivity to pain, channelopathy-associated; ASYMBOLIA FOR PAIN; CONGENITAL ANALGESIA, AUTOSOMAL RECESSIVE. Identifiers: Orphanet 88642, Orphanet 970, MedGen C1855739, MONDO:0009459, OMIM 243000.
Primary erythromelalgia. Also called: SCN9A Erythromelalgia (SCN9A-EM); primary erythermalgia. Identifiers: Orphanet 306577, Orphanet 90026, MedGen C0014805, MONDO:0007571, OMIM 133020.
Neuropathy, hereditary sensory and autonomic, type 2A (HSAN2A). Also called: WNK1-Related HSAN2 (HSAN2A); HSAN IIA; MORVAN DISEASE; NEUROPATHY, CONGENITAL SENSORY; NEUROPATHY, HEREDITARY SENSORY RADICULAR, AUTOSOMAL RECESSIVE; NEUROPATHY, HEREDITARY SENSORY, TYPE IIA. Identifiers: Orphanet 970, MedGen C2752089, MONDO:0024309, OMIM 201300.
Generalized epilepsy with febrile seizures plus, type 7 (GEFSP7). Also called: GEFS+, TYPE 7. Identifiers: Orphanet 36387, MedGen C2751778, MONDO:0013470, OMIM 613863.

Allele frequency attached by ClinVar (database versions not stated): 1000 Genomes Project 0.03195; 1000 Genomes Project 30x 0.03232; gnomAD exomes 0.06159 and 0.07804; TOPMed 0.06165; ExAC 0.06198; gnomAD 0.06434 and 0.06646; ESP Exome Variant Server 0.07204.
gnomAD v4.1: 123,652 of 1,613,646 alleles (7.7%); highest among the groups gnomAD compares: Non-Finnish European, 8.8%; 5,262 homozygotes.

Submissions (14):

Labcorp Genetics (formerly Invitae), Labcorp
Classification: Benign for Neuropathy, hereditary sensory and autonomic, type 2A; Generalized epilepsy with febrile seizures plus, type 7. Last evaluated: 2026-02-04. Review status: criteria provided, single submitter. Criteria: Invitae Variant Classification Sherloc (09022015). Collection method: clinical testing. Allele origin: germline.

Blueprint Genetics
Classification: Likely benign. Last evaluated: 2024-11-26. Review status: criteria provided, single submitter. Criteria: ACMG Guidelines, 2015. Collection method: clinical testing. Allele origin: germline.

Genome-Nilou Lab
Classification: Benign for Primary erythromelalgia. Last evaluated: 2021-07-15. Review status: criteria provided, single submitter. Criteria: ACMG Guidelines, 2015. Collection method: clinical testing. Allele origin: germline. Affected: no.

Genome-Nilou Lab
Classification: Benign for Channelopathy-associated congenital insensitivity to pain, autosomal recessive. Last evaluated: 2021-07-15. Review status: criteria provided, single submitter. Criteria: ACMG Guidelines, 2015. Collection method: clinical testing. Allele origin: germline. Affected: no.

Genome-Nilou Lab
Classification: Benign for Paroxysmal extreme pain disorder. Last evaluated: 2021-07-15. Review status: criteria provided, single submitter. Criteria: ACMG Guidelines, 2015. Collection method: clinical testing. Allele origin: germline. Affected: no.

Athena Diagnostics
Classification: Benign. Last evaluated: 2018-05-04. Review status: criteria provided, single submitter. Criteria: Athena Diagnostics Criteria. Collection method: clinical testing. Allele origin: germline.

Illumina Laboratory Services, Illumina
Classification: Benign for Channelopathy-associated congenital insensitivity to pain, autosomal recessive. Last evaluated: 2018-01-12. Review status: criteria provided, single submitter. Criteria: ICSL Variant Classification Criteria 13 December 2019. Collection method: clinical testing. Allele origin: germline.
Comment: This variant was observed in the ICSL laboratory as part of a predisposition screen in an ostensibly healthy population. It had not been previously curated by ICSL or reported in the Human Gene Mutation Database (HGMD: prior to June 1st, 2018), and was therefore a candidate for classification through an automated scoring system. Utilizing variant allele frequency, disease prevalence and penetrance estimates, and inheritance mode, an automated score was calculated to assess if this variant is too frequent to cause the disease. Based on the score and internal cut-off values, a variant classified as benign is not then subjected to further curation. The score for this variant resulted in a classification of benign for this disease.

Illumina Laboratory Services, Illumina
Classification: Benign for Paroxysmal extreme pain disorder. Last evaluated: 2018-01-12. Review status: criteria provided, single submitter. Criteria: ICSL Variant Classification Criteria 13 December 2019. Collection method: clinical testing. Allele origin: germline.
Comment: the same text as in the submission from Illumina Laboratory Services, Illumina above.

Illumina Laboratory Services, Illumina
Classification: Benign for Primary erythromelalgia. Last evaluated: 2018-01-12. Review status: criteria provided, single submitter. Criteria: ICSL Variant Classification Criteria 13 December 2019. Collection method: clinical testing. Allele origin: germline.
Comment: the same text as in the submission from Illumina Laboratory Services, Illumina above.

Mayo Clinic Laboratories, Mayo Clinic
Classification: Benign. Last evaluated: 2015-10-22. Review status: criteria provided, single submitter. Criteria: ACMG Guidelines, 2015. Collection method: clinical testing. Allele origin: germline. Observed: 300 variant alleles.

GeneDx
Classification: Benign. Last evaluated: 2015-03-03. Review status: criteria provided, single submitter. Criteria: GeneDx Variant Classification Process June 2021. Collection method: clinical testing. Allele origin: germline. Affected: yes.

Breakthrough Genomics
Classification: Benign. Review status: criteria provided, single submitter. Criteria: ACMG Guidelines, 2015. Collection method: not provided. Allele origin: germline. Inheritance: Autosomal recessive inheritance. Affected: yes.

PreventionGenetics, part of Exact Sciences
Classification: Benign. Review status: criteria provided, single submitter. Criteria: ACMG Guidelines, 2015. Collection method: clinical testing. Allele origin: germline.

Genetic Services Laboratory, University of Chicago
Classification: Likely benign for AllHighlyPenetrant. Review status: no assertion criteria provided. Collection method: clinical testing. Allele origin: germline. Inheritance: Autosomal dominant inheritance. Not counted in ClinVar's aggregate classification.
Comment: Likely benign based on allele frequency in 1000 Genomes Project or ESP global frequency and its presence in a patient with a rare or unrelated disease phenotype. NOT Sanger confirmed.